The following is an entry in ClinVar:

ClinVar aggregate classification (germline): Likely benign. Review status: criteria provided, multiple submitters, no conflicts (2 of 4 stars). 3 submissions from 3 submitters: Likely benign (3). Last evaluated 2025-06-09.

Conditions:
Ataxia-telangiectasia syndrome (AT). Also called: Ataxia-telangiectasia, complementation group D; AT, COMPLEMENTATION GROUP C; LOUIS-BAR SYNDROME; Ataxia telangiectasia (A-T); Cerebello-oculocutaneous telangiectasia; Immunodeficiency with ataxia telangiectasia. Identifiers: Orphanet 100, MedGen C0004135, MONDO:0008840, OMIM 208900.
Familial cancer of breast. Also called: Hereditary breast cancer; hereditary breast carcinoma; BREAST CANCER, FAMILIAL. Identifiers: Orphanet 227535, MedGen C0346153, MONDO:0016419, OMIM 114480. Disease mechanism: loss of function.
Hereditary cancer-predisposing syndrome. Also called: Neoplastic Syndromes, Hereditary; Hereditary neoplastic syndrome; Tumor predisposition; Hereditary Cancer Syndrome. Identifiers: Orphanet 140162, MedGen C0027672, MeSH D009386, MONDO:0015356.

Submissions (3):

Labcorp Genetics (formerly Invitae), Labcorp
Classification: Likely benign for Ataxia-telangiectasia syndrome. Last evaluated: 2025-06-09. Review status: criteria provided, single submitter. Criteria: Invitae Variant Classification Sherloc (09022015). Collection method: clinical testing. Allele origin: germline.

Myriad Genetics, Inc.
Classification: Likely benign for Familial cancer of breast. Last evaluated: 2024-05-17. Review status: criteria provided, single submitter. Criteria: Myriad Autosomal Dominant, Autosomal Recessive and X-Linked Classification Criteria (2023). Collection method: clinical testing. Allele origin: unknown.
Comment: This variant is considered likely benign. This variant is intronic and is not expected to impact mRNA splicing.

Color Diagnostics, LLC DBA Color Health
Classification: Likely benign for Hereditary cancer-predisposing syndrome. Last evaluated: 2022-03-30. Review status: criteria provided, single submitter. Criteria: ACMG Guidelines, 2015. Collection method: clinical testing. Allele origin: germline.

NM_000051.4(ATM):c.4437-10C>T

Gene: ATM (ATM serine/threonine kinase; plus strand). Cytogenetic location: 11q22.3.
Variant type: single nucleotide variant.
Coding change: c.4437-10C>T on transcript NM_000051.4 (MANE Select); 10 bases into the intron before coding-DNA position 4437, C replaced by T.
Molecular consequence: intron variant.
Genome position (GRCh38, 1-based): chr11:108,292,609, C>T. VCF-style: chr11-108292609-C-T. GRCh37 (hg19) VCF-style: chr11-108163336-C-T.
Other names: c.4437-10C>T (NM_001351834.2).
Identifiers: ClinVar variation 770981 (VCV000770981.12), dbSNP rs1397770130, ClinGen allele CA602132750.